The following is an entry in ClinVar:

NM_203447.4(DOCK8):c.523G>A (p.Ala175Thr)

Gene: DOCK8 (dedicator of cytokinesis 8; plus strand). Cytogenetic location: 9p24.3.
Variant type: single nucleotide variant.
Coding change: c.523G>A on transcript NM_203447.4 (MANE Select); coding-DNA position 523, G replaced by A.
Protein change: p.Ala175Thr; replaces alanine 175 with threonine.
Molecular consequence: missense variant.
Genome position (GRCh38, 1-based): chr9:304,699, G>A. VCF-style: chr9-304699-G-A. GRCh37 (hg19) VCF-style: chr9-304699-G-A.
Other names: c.319G>A, p.Ala107Thr (NM_001190458.2, NM_001193536.2); short protein forms A107T, A175T.
Identifiers: ClinVar variation 1513543 (VCV001513543.8), dbSNP rs1305161630, ClinGen allele CA372758981.

ClinVar aggregate classification (germline): Uncertain significance (1 of 4 stars; one submission).

Conditions:
Combined immunodeficiency due to DOCK8 deficiency (HIES2). Also called: DOCK8 Deficiency; HIES autosomal recessive; Hyper-IgE recurrent infection syndrome, autosomal recessive; HYPER-IgE RECURRENT INFECTION SYNDROME 2, AUTOSOMAL RECESSIVE; HYPER-IgE SYNDROME 2, AUTOSOMAL RECESSIVE, WITH RECURRENT INFECTIONS. Identifiers: Orphanet 217390, MedGen C4722305, MONDO:0009478, OMIM 243700.

Allele frequency attached by ClinVar (database versions not stated): gnomAD exomes 0.00001.
gnomAD v4.1: 3 of 1,614,138 alleles (0.00019%); highest among the groups gnomAD compares: Non-Finnish European, 0.00025%; no homozygotes.

Submission:

Labcorp Genetics (formerly Invitae), Labcorp
Classification: Uncertain significance for Combined immunodeficiency due to DOCK8 deficiency. Last evaluated: 2021-04-16. Review status: criteria provided, single submitter. Criteria: Invitae Variant Classification Sherloc (09022015). Collection method: clinical testing. Allele origin: germline.
Comment: Algorithms developed to predict the effect of missense changes on protein structure and function output the following: SIFT: "Tolerated"; PolyPhen-2: "Benign"; Align-GVGD: "Class C0". The threonine amino acid residue is found in multiple mammalian species, suggesting that this missense change does not adversely affect protein function. These predictions have not been confirmed by published functional studies and their clinical significance is uncertain. This variant has not been reported in the literature in individuals with DOCK8-related conditions. This variant is not present in population databases (ExAC no frequency). This sequence change replaces alanine with threonine at codon 175 of the DOCK8 protein (p.Ala175Thr). The alanine residue is weakly conserved and there is a small physicochemical difference between alanine and threonine. In summary, the available evidence is currently insufficient to determine the role of this variant in disease. Therefore, it has been classified as a Variant of Uncertain Significance.